The following is an entry in ClinVar:

NM_001134707.2(SARDH):c.150G>A (p.Gln50=)

Gene: SARDH (sarcosine dehydrogenase; minus strand). Cytogenetic location: 9q34.2.
Variant type: single nucleotide variant.
Coding change: c.150G>A on transcript NM_001134707.2 (MANE Select); coding-DNA position 150, G replaced by A.
Protein change: p.Gln50=; no amino-acid change (glutamine 50 retained).
Molecular consequence: synonymous variant.
Genome position (GRCh38, 1-based): chr9:133,734,024, C>T on the plus strand (G>A on the coding strand, the complement: SARDH is on the minus strand). VCF-style: chr9-133734024-C-T. GRCh37 (hg19) VCF-style: chr9-136599146-C-T.
Other names: c.150G>A, p.Gln50= (NM_007101.4).
Identifiers: ClinVar variation 3056141 (VCV003056141.2), dbSNP rs573904, ClinGen allele CA5314895.

ClinVar aggregate classification (germline): Benign (0 of 4 stars; one submission).

Conditions:
SARDH-related disorder. Also called: SARDH-related condition.

Allele frequency attached by ClinVar (database versions not stated): 1000 Genomes Project 30x 0.21674; 1000 Genomes Project 0.21965; TOPMed 0.23187; ESP Exome Variant Server 0.23711; gnomAD 0.24445; ExAC 0.26995; gnomAD exomes 0.28938.
gnomAD v4.1: 459,149 of 1,612,976 alleles (28%); highest among the groups gnomAD compares: East Asian, 34%; 67,396 homozygotes.

Submission:

PreventionGenetics, part of Exact Sciences
Classification: Benign for SARDH-related condition. Last evaluated: 2019-10-22. Review status: no assertion criteria provided. Collection method: clinical testing. Allele origin: germline.
Comment: This variant is classified as benign based on ACMG/AMP sequence variant interpretation guidelines (Richards et al. 2015 PMID: 25741868, with internal and published modifications).